The following is an entry in ClinVar:

ClinVar aggregate classification (germline): Uncertain significance (1 of 4 stars; one submission).

Submission:

Labcorp Genetics (formerly Invitae), Labcorp
Classification: Uncertain significance. Last evaluated: 2024-11-19. Review status: criteria provided, single submitter. Criteria: Invitae Variant Classification Sherloc (09022015). Collection method: clinical testing. Allele origin: germline.
Comment: This sequence change replaces valine, which is neutral and non-polar, with isoleucine, which is neutral and non-polar, at codon 991 of the TCF20 protein (p.Val991Ile). This variant is not present in population databases (gnomAD no frequency). This variant has not been reported in the literature in individuals affected with TCF20-related conditions. An algorithm developed to predict the effect of missense changes on protein structure and function (PolyPhen-2) suggests that this variant is likely to be tolerated. In summary, the available evidence is currently insufficient to determine the role of this variant in disease. Therefore, it has been classified as a Variant of Uncertain Significance.

NM_001378418.1(TCF20):c.2971G>A (p.Val991Ile)

Gene: TCF20 (transcription factor 20; minus strand). Cytogenetic location: 22q13.2.
Variant type: single nucleotide variant.
Coding change: c.2971G>A on transcript NM_001378418.1 (MANE Select); coding-DNA position 2971, G replaced by A.
Protein change: p.Val991Ile; replaces valine 991 with isoleucine.
Molecular consequence: missense variant.
Genome position (GRCh38, 1-based): chr22:42,212,335, C>T on the plus strand (G>A on the coding strand, the complement: TCF20 is on the minus strand). VCF-style: chr22-42212335-C-T. GRCh37 (hg19) VCF-style: chr22-42608341-C-T.
Other names: c.2971G>A, p.Val991Ile (NM_005650.4, NM_181492.3); short protein forms V991I.
Identifiers: ClinVar variation 3725653 (VCV003725653.2).